The following is an entry in ClinVar:

ClinVar aggregate classification (germline): Conflicting classifications of pathogenicity. Review status: criteria provided, conflicting classifications (1 of 4 stars). 2 submissions from 2 submitters: Likely pathogenic (1); Uncertain significance (1). Last evaluated 2025-10-09.

Conditions:
Hereditary cancer-predisposing syndrome. Also called: Tumor predisposition; Hereditary Cancer Syndrome; Neoplastic Syndromes, Hereditary; Hereditary neoplastic syndrome. Identifiers: Orphanet 140162, MedGen C0027672, MeSH D009386, MONDO:0015356.

Allele frequency attached by ClinVar (database versions not stated): gnomAD exomes below 0.00001.
gnomAD v4.1: 1 of 1,613,824 alleles (0.000062%); highest among the groups gnomAD compares: Non-Finnish European, 0.000085%; no homozygotes.

Submissions (2):

Labcorp Genetics (formerly Invitae), Labcorp
Classification: Likely pathogenic. Last evaluated: 2025-10-09. Review status: criteria provided, single submitter. Criteria: Invitae Variant Classification Sherloc (09022015). Collection method: clinical testing. Allele origin: germline.
Comment: This sequence change affects an acceptor splice site in intron 3 of the POLE gene. It is expected to disrupt RNA splicing. Variants that disrupt the donor or acceptor splice site typically lead to a loss of protein function (PMID: 16199547), and loss-of-function variants in POLE are known to be pathogenic (PMID: 23230001, 25948378, 30503519). This variant is not present in population databases (gnomAD no frequency). This variant has not been reported in the literature in individuals affected with POLE-related conditions. ClinVar contains an entry for this variant (Variation ID: 821919). Algorithms developed to predict the effect of sequence changes on RNA splicing suggest that this variant may disrupt the consensus splice site. In summary, the currently available evidence indicates that the variant is pathogenic, but additional data are needed to prove that conclusively. Therefore, this variant has been classified as Likely Pathogenic.

Ambry Genetics
Classification: Uncertain significance for Hereditary cancer-predisposing syndrome. Last evaluated: 2025-05-03. Review status: criteria provided, single submitter. Criteria: Ambry Variant Classification Scheme 2023. Collection method: clinical testing. Allele origin: germline.
Comment: The c.286-2A>G intronic variant results from an A to G substitution two nucleotides upstream from coding exon 4 in the POLE gene. Alterations that disrupt the canonical splice site are expected to result in aberrant splicing. In silico splice site analysis predicts that this alteration will weaken the native splice acceptor site. A resulting transcript is predicted to be in-frame and is not expected to trigger nonsense-mediated mRNA decay; although, direct evidence is unavailable. This nucleotide position is highly conserved in available vertebrate species. Based on the available evidence, the clinical significance of this variant remains unclear.

Literature cited by the submitters: PubMed 16199547 (cited by Labcorp Genetics (formerly Invitae), Labcorp); PubMed 23230001 (cited by Labcorp Genetics (formerly Invitae), Labcorp); PubMed 25948378 (cited by Labcorp Genetics (formerly Invitae), Labcorp); PubMed 30503519 (cited by Labcorp Genetics (formerly Invitae), Labcorp).

NM_006231.4(POLE):c.286-2A>G

Gene: POLE (DNA polymerase epsilon, catalytic subunit; minus strand). Cytogenetic location: 12q24.33.
Variant type: single nucleotide variant.
Coding change: c.286-2A>G on transcript NM_006231.4 (MANE Select); the canonical splice acceptor site of the intron before coding-DNA position 286, A replaced by G.
Molecular consequence: splice acceptor variant.
Genome position (GRCh38, 1-based): chr12:132,680,224, T>C on the plus strand (A>G on the coding strand, the complement: POLE is on the minus strand). VCF-style: chr12-132680224-T-C. GRCh37 (hg19) VCF-style: chr12-133256810-T-C.
Identifiers: ClinVar variation 821919 (VCV000821919.13), dbSNP rs1593086474, ClinGen allele CA387368891.
Genomic context (GRCh38, chr12:132,680,224, plus strand): 5'-TGAAACACACTCACCTTTCTGGTCGCAATGTAGAAATACGGTTTATAGGGCAAAGCCACC[T>C]GTTAAGAGTCACCAACCCATCCAGGGGTGATGAGAAAGAAGAAAGCGAGAGAAAAGTGAA-3'